The following is an entry in ClinVar:

ClinVar aggregate classification (germline): Uncertain significance. Review status: criteria provided, multiple submitters, no conflicts (2 of 4 stars). 2 submissions from 2 submitters: Uncertain significance (2). Last evaluated 2023-04-11.

Conditions:
Aicardi-Goutieres syndrome 6 (AGS6). Identifiers: Orphanet 51, MedGen C3539013, MONDO:0014007, OMIM 615010.
Symmetrical dyschromatosis of extremities (DSH). Also called: RETICULATE ACROPIGMENTATION OF DOHI; SYMMETRIC DYSCHROMATOSIS OF THE EXTREMITIES; Dyschromatosis symmetrica hereditaria; DYSCHROMATOSIS SYMMETRICA HEREDITARIA 1. Identifiers: Orphanet 41, MedGen C0406775, MONDO:0007483, OMIM 127400.

Allele frequency attached by ClinVar (database versions not stated): gnomAD exomes below 0.00001; TOPMed below 0.00001; gnomAD 0.00001.
gnomAD v4.1: 3 of 1,613,986 alleles (0.00019%); highest among the groups gnomAD compares: Non-Finnish European, 0.00025%; no homozygotes.

Submissions (2):

Genome-Nilou Lab
Classification: Uncertain significance for Aicardi-Goutieres syndrome 6. Last evaluated: 2023-04-11. Review status: criteria provided, single submitter. Criteria: ACMG Guidelines, 2015. Collection method: clinical testing. Allele origin: germline. Affected: no.

Labcorp Genetics (formerly Invitae), Labcorp
Classification: Uncertain significance for Aicardi-Goutieres syndrome 6; Symmetrical dyschromatosis of extremities. Last evaluated: 2022-12-06. Review status: criteria provided, single submitter. Criteria: Invitae Variant Classification Sherloc (09022015). Collection method: clinical testing. Allele origin: germline.
Comment: This sequence change replaces lysine, which is basic and polar, with glutamic acid, which is acidic and polar, at codon 974 of the ADAR protein (p.Lys974Glu). This variant is not present in population databases (gnomAD no frequency). This variant has not been reported in the literature in individuals affected with ADAR-related conditions. ClinVar contains an entry for this variant (Variation ID: 292763). Advanced modeling of protein sequence and biophysical properties (such as structural, functional, and spatial information, amino acid conservation, physicochemical variation, residue mobility, and thermodynamic stability) has been performed at Invitae for this missense variant, however the output from this modeling did not meet the statistical confidence thresholds required to predict the impact of this variant on ADAR protein function. In summary, the available evidence is currently insufficient to determine the role of this variant in disease. Therefore, it has been classified as a Variant of Uncertain Significance.

NM_001111.5(ADAR):c.2920A>G (p.Lys974Glu)

Gene: ADAR (adenosine deaminase RNA specific; minus strand). Cytogenetic location: 1q21.3.
Variant type: single nucleotide variant.
Coding change: c.2920A>G on transcript NM_001111.5 (MANE Select); coding-DNA position 2920, A replaced by G.
Protein change: p.Lys974Glu; replaces lysine 974 with glutamic acid.
Molecular consequence: missense variant.
Genome position (GRCh38, 1-based): chr1:154,588,224, T>C on the plus strand (A>G on the coding strand, the complement: ADAR is on the minus strand). VCF-style: chr1-154588224-T-C. GRCh37 (hg19) VCF-style: chr1-154560700-T-C.
Other names: c.2920A>G, p.Lys974Glu (LRG_1212t1); c.2035A>G, p.Lys679Glu (NM_001025107.3, NM_001193495.2, NM_001365046.1 and 2 more transcripts); c.2947A>G, p.Lys983Glu (NM_001365045.1); c.1957A>G, p.Lys653Glu (NM_001365049.1); c.2842A>G, p.Lys948Glu (NM_015840.4); c.2785A>G, p.Lys929Glu (NM_015841.4); short protein forms K974E, K653E, K929E, K948E, K679E, K983E.
Identifiers: ClinVar variation 292763 (VCV000292763.10), dbSNP rs886045339, ClinGen allele CA10607928.